The following is an entry in ClinVar:

ClinVar aggregate classification (germline): Uncertain significance (1 of 4 stars; one submission).

gnomAD v4.1: 1 of 1,613,512 alleles (0.000062%); highest among the groups gnomAD compares: Non-Finnish European, 0.000085%; no homozygotes.

Submission:

Dasa
Classification: Uncertain significance. Last evaluated: 2026-08-10. Review status: criteria provided, single submitter. Criteria: DASA Assertion Criteria. Collection method: clinical testing. Allele origin: germline.
Comment: NM_024408.4(NOTCH2):c.760G>A (p.Gly254Arg) is a missense variant that results in the substitution of glycine with arginine. This variant is rare in population databases. Computational prediction algorithms are consistent with a deleterious effect. The currently available literature and clinical evidence are not sufficient to establish a definitive association between this variant and the reported condition. Therefore, this variant is classified as a variant of uncertain significance.

NM_024408.4(NOTCH2):c.760G>A (p.Gly254Arg)

Gene: NOTCH2 (notch receptor 2; minus strand). Cytogenetic location: 1p12.
Variant type: single nucleotide variant.
Coding change: c.760G>A on transcript NM_024408.4 (MANE Select); coding-DNA position 760, G replaced by A.
Protein change: p.Gly254Arg; replaces glycine 254 with arginine.
Molecular consequence: missense variant.
Genome position (GRCh38, 1-based): chr1:119,987,074, C>T on the plus strand (G>A on the coding strand, the complement: NOTCH2 is on the minus strand). VCF-style: chr1-119987074-C-T. GRCh37 (hg19) VCF-style: chr1-120529697-C-T.
Other names: c.760G>A, p.Gly254Arg (NM_001200001.2); short protein forms G254R.
Identifiers: ClinVar variation 5020289 (VCV005020289.1).